The following is an entry in ClinVar:

NM_144643.4(SCLT1):c.1684C>T (p.Gln562Ter)

Gene: SCLT1 (sodium channel and clathrin linker 1; minus strand). Cytogenetic location: 4q28.2.
Variant type: single nucleotide variant.
Coding change: c.1684C>T on transcript NM_144643.4 (MANE Select); coding-DNA position 1684, C replaced by T.
Protein change: p.Gln562Ter; replaces glutamine 562 with a stop codon.
Molecular consequence: nonsense. On other transcripts: 3 prime UTR variant (1).
Genome position (GRCh38, 1-based): chr4:128,936,800, G>A on the plus strand (C>T on the coding strand, the complement: SCLT1 is on the minus strand). VCF-style: chr4-128936800-G-A. GRCh37 (hg19) VCF-style: chr4-129857955-G-A.
Other names: c.*21C>T (NM_001410807.1); short protein forms Q562*.
Identifiers: ClinVar variation 2749755 (VCV002749755.3), dbSNP rs138052297, ClinGen allele CA358184093.
Genomic context (GRCh38, chr4:128,936,800, plus strand): 5'-CTAGGAGATGCCTCAGTTCAACAATGGAATTTCTATTACTGTCTTCCATCTCTCTCAATT[G>A]AACTTCAAATCCACGTTCCTTTATTGAAAATTCATGTTCCATTGTACTGATCTAAAGAAT-3'

ClinVar aggregate classification (germline): Pathogenic (1 of 4 stars; one submission).

Submission:

Labcorp Genetics (formerly Invitae), Labcorp
Classification: Pathogenic. Last evaluated: 2023-08-03. Review status: criteria provided, single submitter. Criteria: Invitae Variant Classification Sherloc (09022015). Collection method: clinical testing. Allele origin: germline.
Comment: This sequence change creates a premature translational stop signal (p.Gln562*) in the SCLT1 gene. It is expected to result in an absent or disrupted protein product. Loss-of-function variants in SCLT1 are known to be pathogenic (PMID: 28005958). This variant is not present in population databases (gnomAD no frequency). This variant has not been reported in the literature in individuals affected with SCLT1-related conditions. For these reasons, this variant has been classified as Pathogenic.

Literature cited by the submitters: PubMed 28005958.